The following is an entry in ClinVar:

ClinVar aggregate classification (germline): Uncertain significance (1 of 4 stars; one submission).

Conditions:
Insulin-dependent diabetes mellitus secretory diarrhea syndrome (IPEX). Also called: Immunodysregulation, polyendocrinopathy, and enteropathy, X-linked; Immunodeficiency, Polyendocrinopathy, and Enteropathy X-Linked Syndrome; X-Linked Syndrome of Polyendocrinopathy, Immune Dysfunction, and Diarrhea; DIABETES MELLITUS, CONGENITAL INSULIN-DEPENDENT, WITH FATAL SECRETORY DIARRHEA; DIARRHEA, POLYENDOCRINOPATHY, FATAL INFECTION SYNDROME, X-LINKED; ENTEROPATHY, AUTOIMMUNE, WITH HEMOLYTIC ANEMIA AND POLYENDOCRINOPATHY. Identifiers: Orphanet 37042, MedGen C0342288, MONDO:0010580, OMIM 304790. Disease mechanism: loss of function.

Submission:

Laboratorio de Genetica e Diagnostico Molecular, Hospital Israelita Albert Einstein
Classification: Uncertain significance for Insulin-dependent diabetes mellitus secretory diarrhea syndrome. Last evaluated: 2025-02-07. Review status: criteria provided, single submitter. Criteria: ACMG Guidelines, 2015. Collection method: clinical testing. Allele origin: germline. Affected: yes.
Comment: ACMG classification criteria: PM2 supporting, BP4 supporting

NM_014009.4(FOXP3):c.812C>T (p.Ser271Phe)

Gene: FOXP3 (forkhead box P3; minus strand). Cytogenetic location: Xp11.23.
Variant type: single nucleotide variant.
Coding change: c.812C>T on transcript NM_014009.4 (MANE Select); coding-DNA position 812, C replaced by T.
Protein change: p.Ser271Phe; replaces serine 271 with phenylalanine.
Molecular consequence: missense variant.
Genome position (GRCh38, 1-based): chrX:49,255,433, G>A on the plus strand (C>T on the coding strand, the complement: FOXP3 is on the minus strand). VCF-style: chrX-49255433-G-A. GRCh37 (hg19) VCF-style: chrX-49111894-G-A.
Other names: c.707C>T, p.Ser236Phe (NM_001114377.2); short protein forms S236F, S271F.
Identifiers: ClinVar variation 3902018 (VCV003902018.1).